The following is an entry in ClinVar:

NM_148919.4(PSMB8):c.742+85G>T

Gene: PSMB8 (proteasome 20S subunit beta 8; minus strand). Cytogenetic location: 6p21.32.
Variant type: single nucleotide variant.
Coding change: c.742+85G>T on transcript NM_148919.4 (MANE Select); 85 bases into the intron after coding-DNA position 742, G replaced by T.
Molecular consequence: intron variant.
Genome position (GRCh38, 1-based): chr6:32,841,446, C>A on the plus strand (G>T on the coding strand, the complement: PSMB8 is on the minus strand). VCF-style: chr6-32841446-C-A. GRCh37 (hg19) VCF-style: chr6-32809223-C-A.
Other names: c.730+85G>T (NM_004159.5).
Identifiers: ClinVar variation 1239292 (VCV001239292.5), dbSNP rs2071627, ClinGen allele CA12232028.

ClinVar aggregate classification (germline): Benign. Review status: criteria provided, multiple submitters, no conflicts (2 of 4 stars). 2 submissions from 2 submitters: Benign (2). Last evaluated 2023-11-14.

Allele frequency attached by ClinVar (database versions not stated): 1000 Genomes Project 0.32648; 1000 Genomes Project 30x 0.32808; TOPMed 0.35525.
gnomAD v4.1: 549,812 of 1,392,178 alleles (39%); highest among the groups gnomAD compares: Middle Eastern, 48%; 111,468 homozygotes.

Submissions (2):

Unidad de Genómica Garrahan, Hospital de Pediatría Garrahan
Classification: Benign. Last evaluated: 2023-11-14. Review status: criteria provided, single submitter. Criteria: ACMG Guidelines, 2015. Collection method: clinical testing. Allele origin: germline. Affected: no. Observed: 44 variant alleles.
Comment: This variant is classified as Benign based on local population frequency. This variant was detected in 46% of patients studied by a panel of primary immunodeficiencies. Number of patients: 44. Only high quality variants are reported.

GeneDx
Classification: Benign. Last evaluated: 2018-11-12. Review status: criteria provided, single submitter. Criteria: GeneDx Variant Classification Process June 2021. Collection method: clinical testing. Allele origin: germline. Affected: yes.